The following is an entry in ClinVar:

NM_005219.5(DIAPH1):c.856A>G (p.Arg286Gly)

Gene: DIAPH1 (diaphanous related formin 1; minus strand). Cytogenetic location: 5q31.3.
Variant type: single nucleotide variant.
Coding change: c.856A>G on transcript NM_005219.5 (MANE Select); coding-DNA position 856, A replaced by G.
Protein change: p.Arg286Gly; replaces arginine 286 with glycine.
Molecular consequence: missense variant.
Genome position (GRCh38, 1-based): chr5:141,579,165, T>C on the plus strand (A>G on the coding strand, the complement: DIAPH1 is on the minus strand). VCF-style: chr5-141579165-T-C. GRCh37 (hg19) VCF-style: chr5-140958732-T-C.
Other names: c.829A>G, p.Arg277Gly (NM_001079812.3); c.856A>G, p.Arg286Gly (NM_001314007.2); short protein forms R277G, R286G.
Identifiers: ClinVar variation 1445039 (VCV001445039.10), dbSNP rs1325994580, ClinGen allele CA361533983.

ClinVar aggregate classification (germline): Uncertain significance (1 of 4 stars; one submission).

Conditions:
Autosomal dominant nonsyndromic hearing loss 1. Also called: DEAFNESS, AUTOSOMAL DOMINANT 1, WITH OR WITHOUT THROMBOCYTOPENIA; KONIGSMARK SYNDROME. Identifiers: Orphanet 90635, MedGen C1852282, MONDO:0007424, OMIM 124900.
Progressive microcephaly-seizures-cortical blindness-developmental delay syndrome. Also called: Seizures, cortical blindness, and microcephaly syndrome. Identifiers: Orphanet 477814, MedGen C5567650, MONDO:0014714, OMIM 616632.

Allele frequency attached by ClinVar (database versions not stated): gnomAD 0.00002; TOPMed 0.00003; gnomAD exomes below 0.00001.
gnomAD v4.1: 11 of 1,614,052 alleles (0.00068%); highest among the groups gnomAD compares: African/African-American, 0.0027%; no homozygotes.

Submission:

Labcorp Genetics (formerly Invitae), Labcorp
Classification: Uncertain significance for Progressive microcephaly-seizures-cortical blindness-developmental delay syndrome; Autosomal dominant nonsyndromic hearing loss 1. Last evaluated: 2025-10-15. Review status: criteria provided, single submitter. Criteria: Invitae Variant Classification Sherloc (09022015). Collection method: clinical testing. Allele origin: germline.
Comment: This sequence change replaces arginine, which is basic and polar, with glycine, which is neutral and non-polar, at codon 286 of the DIAPH1 protein (p.Arg286Gly). This variant is not present in population databases (gnomAD no frequency). This variant has not been reported in the literature in individuals affected with DIAPH1-related conditions. ClinVar contains an entry for this variant (Variation ID: 1445039). Experimental studies and prediction algorithms are not available or were not evaluated, and the functional significance of this variant is currently unknown. In summary, the available evidence is currently insufficient to determine the role of this variant in disease. Therefore, it has been classified as a Variant of Uncertain Significance.